The following is an entry in ClinVar:

ClinVar aggregate classification (germline): Uncertain significance. Review status: criteria provided, multiple submitters, no conflicts (2 of 4 stars). 2 submissions from 2 submitters: Uncertain significance (2). Last evaluated 2024-01-31.

Conditions:
Cardiovascular phenotype. Identifiers: MedGen CN230736.
ANKRD1-related dilated cardiomyopathy. Identifiers: MedGen CN119551.

Allele frequency attached by ClinVar (database versions not stated): gnomAD exomes below 0.00001; ExAC 0.00002.
gnomAD v4.1: 6 of 1,614,056 alleles (0.00037%); highest among the groups gnomAD compares: South Asian, 0.0055%; no homozygotes.

Submissions (2):

Labcorp Genetics (formerly Invitae), Labcorp
Classification: Uncertain significance for ANKRD1-related dilated cardiomyopathy. Last evaluated: 2024-01-31. Review status: criteria provided, single submitter. Criteria: Invitae Variant Classification Sherloc (09022015). Collection method: clinical testing. Allele origin: germline.
Comment: This sequence change creates a premature translational stop signal (p.Tyr311*) in the ANKRD1 gene. While this is not anticipated to result in nonsense mediated decay, it is expected to disrupt the last 9 amino acid(s) of the ANKRD1 protein. This variant is present in population databases (rs764279574, gnomAD 0.01%). This variant has not been reported in the literature in individuals affected with ANKRD1-related conditions. ClinVar contains an entry for this variant (Variation ID: 1766615). In summary, the available evidence is currently insufficient to determine the role of this variant in disease. Therefore, it has been classified as a Variant of Uncertain Significance.

Ambry Genetics
Classification: Uncertain significance for Cardiovascular phenotype. Last evaluated: 2022-10-25. Review status: criteria provided, single submitter. Criteria: Ambry Variant Classification Scheme 2023. Collection method: clinical testing. Allele origin: germline.
Comment: The p.Y311* variant (also known as c.933C>A), located in coding exon 9 of the ANKRD1 gene, results from a C to A substitution at nucleotide position 933. This changes the amino acid from a tyrosine to a stop codon within coding exon 9. This alteration occurs at the 3' terminus of theANKRD1 gene, is not expected to trigger nonsense-mediated mRNAdecay, and only impacts the last 9 amino acids of the protein. The exact functional effect of this alteration is unknown. The evidence for this gene-disease relationship is limited; therefore, the clinical significance of this alteration is unclear.

NM_014391.3(ANKRD1):c.933C>A (p.Tyr311Ter)

Gene: ANKRD1 (ankyrin repeat domain 1; minus strand). Cytogenetic location: 10q23.31.
Variant type: single nucleotide variant.
Coding change: c.933C>A on transcript NM_014391.3 (MANE Select); coding-DNA position 933, C replaced by A.
Protein change: p.Tyr311Ter; replaces tyrosine 311 with a stop codon.
Molecular consequence: nonsense.
Genome position (GRCh38, 1-based): chr10:90,912,893, G>T on the plus strand (C>A on the coding strand, the complement: ANKRD1 is on the minus strand). VCF-style: chr10-90912893-G-T. GRCh37 (hg19) VCF-style: chr10-92672650-G-T.
Other names: short protein forms Y311*.
Identifiers: ClinVar variation 1766615 (VCV001766615.4), dbSNP rs764279574, ClinGen allele CA5598566.